The following is an entry in ClinVar:

ClinVar aggregate classification (germline): Uncertain significance. Review status: criteria provided, multiple submitters, no conflicts (2 of 4 stars). 4 submissions from 4 submitters: Uncertain significance (4). Last evaluated 2024-02-17.

Conditions:
Intellectual developmental disorder, autosomal recessive 37. Also called: Intellectual disability-hypotonia-spasticity-sleep disorder syndrome. Identifiers: Orphanet 356996, MedGen C3809672, MONDO:0014210, OMIM 615493.

Allele frequency attached by ClinVar (database versions not stated): ExAC 0.00003; 1000 Genomes Project 0.00020; gnomAD exomes 0.00003; 1000 Genomes Project 30x 0.00016; TOPMed 0.00004.
gnomAD v4.1: 32 of 1,613,414 alleles (0.002%); highest among the groups gnomAD compares: Middle Eastern, 0.18%; no homozygotes.

Submissions (4):

Labcorp Genetics (formerly Invitae), Labcorp
Classification: Uncertain significance. Last evaluated: 2024-02-17. Review status: criteria provided, single submitter. Criteria: Invitae Variant Classification Sherloc (09022015). Collection method: clinical testing. Allele origin: germline.
Comment: This sequence change replaces alanine, which is neutral and non-polar, with threonine, which is neutral and polar, at codon 628 of the ANK3 protein (p.Ala628Thr). This variant is present in population databases (rs540939855, gnomAD 0.01%). This variant has not been reported in the literature in individuals affected with ANK3-related conditions. ClinVar contains an entry for this variant (Variation ID: 389255). Advanced modeling of protein sequence and biophysical properties (such as structural, functional, and spatial information, amino acid conservation, physicochemical variation, residue mobility, and thermodynamic stability) performed at Invitae indicates that this missense variant is not expected to disrupt ANK3 protein function with a negative predictive value of 80%. In summary, the available evidence is currently insufficient to determine the role of this variant in disease. Therefore, it has been classified as a Variant of Uncertain Significance.

Dubai Health Genomic Medicine Center, Dubai Health
Classification: Uncertain significance for Intellectual developmental disorder, autosomal recessive 37. Last evaluated: 2021-02-03. Review status: criteria provided, single submitter. Criteria: ACMG Guidelines, 2015. Collection method: clinical testing. Allele origin: germline. Affected: yes.

GeneDx
Classification: Uncertain significance. Last evaluated: 2018-09-19. Review status: criteria provided, single submitter. Criteria: GeneDx Variant Classification (06012015). Collection method: clinical testing. Allele origin: germline. Affected: yes.
Comment: The A628T variant in the ANK3 gene has not been reported previously as a pathogenic variant, nor as a benign variant, to our knowledge. The A628T variant was not observed in approximately 6500 individuals of European and African American ancestry in the NHLBI Exome Sequencing Project, indicating it is not a common benign variant in these populations. The A628T variant is a non-conservative amino acid substitution, which is likely to impact secondary protein structure as these residues differ in polarity, charge, size and/or other properties. This substitution occurs at a position that is conserved across species. In silico analysis predicts this variant is probably damaging to the protein structure/function. We interpret A628T as a variant of uncertain significance.

Breakthrough Genomics
Classification: Uncertain significance. Review status: criteria provided, single submitter. Criteria: ACMG Guidelines, 2015. Collection method: not provided. Allele origin: germline. Inheritance: Autosomal recessive inheritance. Affected: yes.

NM_020987.5(ANK3):c.1882G>A (p.Ala628Thr)

Gene: ANK3 (ankyrin 3; minus strand). Cytogenetic location: 10q21.2.
Variant type: single nucleotide variant.
Coding change: c.1882G>A on transcript NM_020987.5 (MANE Select); coding-DNA position 1882, G replaced by A.
Protein change: p.Ala628Thr; replaces alanine 628 with threonine.
Molecular consequence: missense variant.
Genome position (GRCh38, 1-based): chr10:60,196,150, C>T on the plus strand (G>A on the coding strand, the complement: ANK3 is on the minus strand). VCF-style: chr10-60196150-C-T. GRCh37 (hg19) VCF-style: chr10-61955908-C-T.
Other names: c.1864G>A, p.Ala622Thr (NM_001204403.2); c.1831G>A, p.Ala611Thr (NM_001204404.2); c.1882G>A, p.Ala628Thr (NM_001320874.2); short protein forms A622T, A628T, A611T.
Identifiers: ClinVar variation 389255 (VCV000389255.9), dbSNP rs540939855, ClinGen allele CA5513004.
Genomic context (GRCh38, chr10:60,196,150, plus strand): 5'-TAGAGACTGATAGACCTTACCCATCAGTCTCCTTAGGCTGTGGAATTATAGGTACCTTTG[C>T]GGCTGCGTGAGGTGAGGCTCCTTGGTCCAAAAGCAGAAGGGCCACTTTCTGATTATCGTA-3'
Protein context (NP_066267.2, residues 618-638): LDQGASPHAA[Ala628Thr]KNGYTPLHIA